The following is an entry in ClinVar:

NM_139215.3(TAF15):c.1491C>T (p.Asp497=)

Gene: TAF15 (TATA-box binding protein associated factor 15; plus strand). Cytogenetic location: 17q12.
Variant type: single nucleotide variant.
Coding change: c.1491C>T on transcript NM_139215.3 (MANE Select); coding-DNA position 1491, C replaced by T.
Protein change: p.Asp497=; no amino-acid change (aspartic acid 497 retained).
Molecular consequence: synonymous variant.
Genome position (GRCh38, 1-based): chr17:35,844,790, C>T. VCF-style: chr17-35844790-C-T. GRCh37 (hg19) VCF-style: chr17-34171794-C-T.
Other names: c.1482C>T, p.Asp494= (NM_003487.4).
Identifiers: ClinVar variation 3770516 (VCV003770516.13).

ClinVar aggregate classification (germline): Likely benign (1 of 4 stars; one submission).

Submission:

CeGaT Center for Human Genetics Tuebingen
Classification: Likely benign. Last evaluated: 2025-02-01. Review status: criteria provided, single submitter. Criteria: CeGaT Center For Human Genetics Tuebingen Variant Classification Criteria Version 2. Collection method: clinical testing. Allele origin: germline. Affected: yes. Observed: 1 variant allele.
Comment: TAF15: BP4, BP7